The following is an entry in ClinVar:

ClinVar aggregate classification (germline): Uncertain significance. Review status: criteria provided, multiple submitters, no conflicts (2 of 4 stars). 2 submissions from 2 submitters: Uncertain significance (2). Last evaluated 2021-09-01.

Allele frequency attached by ClinVar (database versions not stated): gnomAD 0.00001; ExAC 0.00002; 1000 Genomes Project 30x 0.00031; 1000 Genomes Project 0.00040.
gnomAD v4.1: 7 of 1,613,800 alleles (0.00043%); highest among the groups gnomAD compares: South Asian, 0.0077%; no homozygotes.

Submissions (2):

Labcorp Genetics (formerly Invitae), Labcorp
Classification: Uncertain significance. Last evaluated: 2021-09-01. Review status: criteria provided, single submitter. Criteria: Invitae Variant Classification Sherloc (09022015). Collection method: clinical testing. Allele origin: germline.
Comment: This sequence change replaces glycine with glutamic acid at codon 2079 of the PCLO protein (p.Gly2079Glu). The glycine residue is moderately conserved and there is a moderate physicochemical difference between glycine and glutamic acid. This variant is present in population databases (rs576675298, ExAC 0.02%). This variant has not been reported in the literature in individuals affected with PCLO-related conditions. Algorithms developed to predict the effect of missense changes on protein structure and function output the following: SIFT: "Tolerated"; PolyPhen-2: "Not Available"; Align-GVGD: "Class C0". The glutamic acid amino acid residue is found in multiple mammalian species, which suggests that this missense change does not adversely affect protein function. In summary, the available evidence is currently insufficient to determine the role of this variant in disease. Therefore, it has been classified as a Variant of Uncertain Significance.

CeGaT Center for Human Genetics Tuebingen
Classification: Uncertain significance. Last evaluated: 2021-04-01. Review status: criteria provided, single submitter. Criteria: CeGaT Center For Human Genetics Tuebingen Variant Classification Criteria Version 2. Collection method: clinical testing. Allele origin: germline. Affected: yes. Observed: 1 variant allele.

NM_033026.6(PCLO):c.6236G>A (p.Gly2079Glu)

Gene: PCLO (piccolo presynaptic cytomatrix protein; minus strand). Cytogenetic location: 7q21.11.
Variant type: single nucleotide variant.
Coding change: c.6236G>A on transcript NM_033026.6 (MANE Select); coding-DNA position 6236, G replaced by A.
Protein change: p.Gly2079Glu; replaces glycine 2079 with glutamic acid.
Molecular consequence: missense variant.
Genome position (GRCh38, 1-based): chr7:82,954,717, C>T on the plus strand (G>A on the coding strand, the complement: PCLO is on the minus strand). VCF-style: chr7-82954717-C-T. GRCh37 (hg19) VCF-style: chr7-82584033-C-T.
Other names: c.6236G>A, p.Gly2079Glu (NM_014510.3); short protein forms G2079E.
Identifiers: ClinVar variation 1176231 (VCV001176231.38), dbSNP rs576675298, ClinGen allele CA4320510.
Genomic context (GRCh38, chr7:82,954,717, plus strand): 5'-TCAAAGTCCATGGTGGACTCTGTCATATCCTCACCAATGGGGGCCTGGGTTGGGCTAGAT[C>T]CAGGTGTTAATTGCATCTGTTGCCTCTTCATAAGTTCTTCATAGGCAGCATCAGCATCTA-3'
Protein context (NP_149015.2, residues 2069-2089): MKRQQMQLTP[Gly2079Glu]SSPTQAPIGE